The following is an entry in ClinVar:

NM_031475.3(ESPN):c.2226G>A (p.Thr742=)

Gene: ESPN (espin; plus strand). Cytogenetic location: 1p36.31.
Variant type: single nucleotide variant.
Coding change: c.2226G>A on transcript NM_031475.3 (MANE Select); coding-DNA position 2226, G replaced by A.
Protein change: p.Thr742=; no amino-acid change (threonine 742 retained).
Molecular consequence: synonymous variant.
Genome position (GRCh38, 1-based): chr1:6,451,997, G>A. VCF-style: chr1-6451997-G-A. GRCh37 (hg19) VCF-style: chr1-6512057-G-A.
Other names: c.2226G>A (NM_031475.2); c.2136G>A, p.Thr712= (NM_001367473.1); c.2163G>A, p.Thr721= (NM_001367474.1).
Identifiers: ClinVar variation 3665339 (VCV003665339.4).

ClinVar aggregate classification (germline): Likely benign. Review status: criteria provided, multiple submitters, no conflicts (2 of 4 stars). 3 submissions from 3 submitters: Likely benign (3). Last evaluated 2026-09-11.

Conditions:
ESPN-related disorder. Also called: ESPN-related condition.

gnomAD v4.1: 53 of 1,606,182 alleles (0.0033%); highest among the groups gnomAD compares: Admixed American, 0.037%; no homozygotes.

Submissions (3):

PreventionGenetics, part of Exact Sciences
Classification: Likely benign for ESPN-related condition. Last evaluated: 2026-09-11. Review status: criteria provided, single submitter. Criteria: ACMG Guidelines, 2015. Collection method: clinical testing. Allele origin: germline.
Comment: This variant is classified as likely benign based on ACMG/AMP sequence variant interpretation guidelines (Richards et al. 2015 PMID: 25741868, with internal and published modifications).

Labcorp Genetics (formerly Invitae), Labcorp
Classification: Likely benign. Last evaluated: 2024-08-12. Review status: criteria provided, single submitter. Criteria: Invitae Variant Classification Sherloc (09022015). Collection method: clinical testing. Allele origin: germline.

Blueprint Genetics
Classification: Likely benign. Last evaluated: 2022-04-22. Review status: criteria provided, single submitter. Criteria: ACMG Guidelines, 2015. Collection method: clinical testing. Allele origin: germline.